The following is an entry in ClinVar:

NM_005629.4(SLC6A8):c.1072_1095del (p.Val358_Phe365del)

Gene: SLC6A8 (solute carrier family 6 member 8; plus strand). Cytogenetic location: Xq28.
Variant type: Deletion.
Coding change: c.1072_1095del on transcript NM_005629.4 (MANE Select); coding-DNA positions 1072 to 1095, 24 bases deleted (GTGGTCTTCTCCATCCTGGGCTTC).
Protein change: p.Val358_Phe365del.
Molecular consequence: inframe deletion.
Genome position (GRCh38, 1-based): chrX:153,693,517-153,693,540, GTGGTCTTCTCCATCCTGGGCTTC deleted; deleting any 24 consecutive bases within chrX:153,693,511-153,693,540 gives the same sequence; the c. name uses the placement nearest the transcript's 3' end. VCF-style (leftmost placement, unchanged base first): chrX-153693510-TGGCTTCGTGGTCTTCTCCATCCTG-T. GRCh37 (hg19) VCF-style: chrX-152958965-TGGCTTCGTGGTCTTCTCCATCCTG-T.
Other names: NM_005629.4(SLC6A8):c.1072_1095del; p.Val358_Phe365del; c.1042_1065del, p.Val348_Phe355del (NM_001142805.2); c.727_750del, p.Val243_Phe250del (NM_001142806.1); c.1072_1095delGTGGTCTTCTCCATCCTGGGCTTC (NM_005629.3); c.1072_1095del24 (NM_005629.3).
Identifiers: ClinVar variation 280226 (VCV000280226.7), dbSNP rs886041471, ClinGen allele CA10603706.

ClinVar aggregate classification (germline): Uncertain significance. Review status: reviewed by expert panel (3 of 4 stars). 3 submissions from 3 submitters: Uncertain significance (1). 2 of the submissions do not count toward it. Last evaluated 2025-01-07.

Conditions:
Creatine transporter deficiency (CCDS1). Also called: CEREBRAL CREATINE DEFICIENCY SYNDROME 1; Creatine Transporter (CRTR) Deficiency; Mental retardation , X-linked with seizures, short stature and midface hypoplasia; Mental retardation , X-linked, with creatine transport deficiency; X-linked creatine transporter deficiency; X-linked creatine deficiency syndrome. Identifiers: Orphanet 52503, MedGen C1845862, MONDO:0010305, OMIM 300352.

Submissions (3):

ClinGen Cerebral Creatine Deficiency Syndromes Variant Curation Expert Panel, ClinGen
Classification: Uncertain significance for Creatine transporter deficiency. Last evaluated: 2025-01-07. Review status: reviewed by expert panel. Criteria: ClinGen_CCDS_ACMG_Specifications_SLC6A8_v1.1. Collection method: curation. Allele origin: germline. Inheritance: X-linked inheritance.
Comment: The NM_005629.4:c.1072_1095del variant in SLC6A8 is a deletion of 24 nucleotides within exon 7 of the SLC6A8 gene and is predicted to lead to the deletion of 8 amino acids (p.Val358_Phe365del) (PM4). This variant has been previously reported in one hemizygous individual with elevated urinary creatine/creatinine (PMID: 34050321) (PP4). This variant is absent in gnomAD v4.1.0 (PM2_Supporting). The in silico predictor MutPred-Indel gives a score of 0.85553 (>0.70 suggests that the variant is deleterious with a false positive rate of 5%), but MutationTaster predicts that the variant is a "polymorphism". Due to conflicting results, neither PP3 nor BP4 is met).There is a ClinVar entry for this variant (Variation ID: 280226). In summary, this variant meets criteria to be classified as a variant of uncertain significance for creatine transporter deficiency. SLC6A8-specific ACMG/AMP criteria applied, as specified by the ClinGen CCDS VCEP (Specifications Version 1.1.0): PM4, PP4, PM2_Supporting. (Classification approved by the ClinGen Cerebral Creatine Deficiencies Variant Curation Expert Panel, Jan 7, 2025)

Labcorp Genetics (formerly Invitae), Labcorp
Classification: Uncertain significance for Creatine transporter deficiency. Last evaluated: 2023-10-05. Review status: criteria provided, single submitter. Criteria: Invitae Variant Classification Sherloc (09022015). Collection method: clinical testing. Allele origin: germline. Not counted in ClinVar's aggregate classification.
Comment: This variant, c.1072_1095del, results in the deletion of 8 amino acid(s) of the SLC6A8 protein (p.Val358_Phe365del), but otherwise preserves the integrity of the reading frame. This variant is not present in population databases (gnomAD no frequency). This variant has been observed in individual(s) with creatine transporter deficiency (PMID: 34050321). ClinVar contains an entry for this variant (Variation ID: 280226). In summary, the available evidence is currently insufficient to determine the role of this variant in disease. Therefore, it has been classified as a Variant of Uncertain Significance.

GeneDx
Classification: Pathogenic. Last evaluated: 2019-08-27. Review status: criteria provided, single submitter. Criteria: GeneDx Variant Classification Process June 2021. Collection method: clinical testing. Allele origin: germline. Affected: yes. Not counted in ClinVar's aggregate classification.
Comment: Not observed in large population cohorts (Lek et al., 2016); In-frame deletion of 8 amino acids in a non-repeat region; In silico analysis, which includes protein predictors and evolutionary conservation, supports a deleterious effect; Has not been previously published as pathogenic or benign to our knowledge

Literature cited by the submitters: PubMed 34050321 (cited by Labcorp Genetics (formerly Invitae), Labcorp).